The following is an entry in ClinVar:

ClinVar aggregate classification (germline): Uncertain significance (1 of 4 stars; one submission).

Conditions:
Inborn genetic diseases. Identifiers: MedGen C0950123, MeSH D030342.

Submission:

Ambry Genetics
Classification: Uncertain significance for Inborn genetic diseases. Last evaluated: 2025-03-20. Review status: criteria provided, single submitter. Criteria: Ambry Variant Classification Scheme 2023. Collection method: clinical testing. Allele origin: germline.
Comment: The p.Q1226E variant (also known as c.3676C>G), located in coding exon 25 of the ANKRD26 gene, results from a C to G substitution at nucleotide position 3676. The glutamine at codon 1226 is replaced by glutamic acid, an amino acid with highly similar properties. This amino acid position is conserved. In addition, the in silico prediction for this alteration is inconclusive. Based on the available evidence, the clinical significance of this variant remains unclear.

NM_014915.3(ANKRD26):c.3676C>G (p.Gln1226Glu)

Gene: ANKRD26 (ankyrin repeat domain containing 26; minus strand). Cytogenetic location: 10p12.1.
Variant type: single nucleotide variant.
Coding change: c.3676C>G on transcript NM_014915.3 (MANE Select); coding-DNA position 3676, C replaced by G.
Protein change: p.Gln1226Glu; replaces glutamine 1226 with glutamic acid.
Molecular consequence: missense variant.
Genome position (GRCh38, 1-based): chr10:27,033,356, G>C on the plus strand (C>G on the coding strand, the complement: ANKRD26 is on the minus strand). VCF-style: chr10-27033356-G-C. GRCh37 (hg19) VCF-style: chr10-27322285-G-C.
Other names: c.3673C>G, p.Gln1225Glu (NM_001256053.2); short protein forms Q1226E, Q1225E.
Identifiers: ClinVar variation 3913042 (VCV003913042.1).
Genomic context (GRCh38, chr10:27,033,356, plus strand): 5'-ACGTAACCTCCAGTGAAGCCTCTGACATAGATTGTTTTTTTAGGGTATCAGCTAGTTCTT[G>C]TTGAAGTTGTCTCACAACAACCTGATAAGACATTTTGTTACTGATTTTATAAATCACCTT-3'
Protein context (NP_055730.2, residues 1216-1236): EREVVVRQLQ[Gln1226Glu]ELADTLKKQS